The following is an entry in ClinVar:

ClinVar aggregate classification (germline): Uncertain significance. Review status: criteria provided, multiple submitters, no conflicts (2 of 4 stars). 2 submissions from 2 submitters: Uncertain significance (2). Last evaluated 2024-06-11.

Conditions:
Hereditary cancer-predisposing syndrome. Also called: Neoplastic Syndromes, Hereditary; Tumor predisposition; Hereditary neoplastic syndrome; Hereditary Cancer Syndrome. Identifiers: Orphanet 140162, MedGen C0027672, MeSH D009386, MONDO:0015356.

Submissions (2):

Ambry Genetics
Classification: Uncertain significance for Hereditary cancer-predisposing syndrome. Last evaluated: 2024-06-11. Review status: criteria provided, single submitter. Criteria: Ambry Variant Classification Scheme 2023. Collection method: clinical testing. Allele origin: germline.
Comment: The p.D47E variant (also known as c.141C>G), located in coding exon 1 of the SUFU gene, results from a C to G substitution at nucleotide position 141. The aspartic acid at codon 47 is replaced by glutamic acid, an amino acid with highly similar properties. This amino acid position is conserved. In addition, this alteration is predicted to be tolerated by in silico analysis. Based on the available evidence, the clinical significance of this variant remains unclear.

GeneDx
Classification: Uncertain significance. Last evaluated: 2024-01-26. Review status: criteria provided, single submitter. Criteria: GeneDx Variant Classification Process June 2021. Collection method: clinical testing. Allele origin: germline. Affected: yes.
Comment: Not observed at significant frequency in large population cohorts (gnomAD); In silico analysis supports that this missense variant does not alter protein structure/function; Has not been previously published as pathogenic or benign to our knowledge; This variant is associated with the following publications: (PMID: 24311597)

NM_016169.4(SUFU):c.141C>G (p.Asp47Glu)

Gene: SUFU (SUFU negative regulator of hedgehog signaling; plus strand). Cytogenetic location: 10q24.32.
Variant type: single nucleotide variant.
Coding change: c.141C>G on transcript NM_016169.4 (MANE Select); coding-DNA position 141, C replaced by G.
Protein change: p.Asp47Glu; replaces aspartic acid 47 with glutamic acid.
Molecular consequence: missense variant.
Genome position (GRCh38, 1-based): chr10:102,504,293, C>G. VCF-style: chr10-102504293-C-G. GRCh37 (hg19) VCF-style: chr10-104264050-C-G.
Other names: c.141C>G, p.Asp47Glu (NM_001178133.2); short protein forms D47E.
Identifiers: ClinVar variation 3323554 (VCV003323554.2).